The following is an entry in ClinVar:

NM_004525.3(LRP2):c.13306G>A (p.Val4436Ile)

Gene: LRP2 (LDL receptor related protein 2; minus strand). Cytogenetic location: 2q31.1.
Variant type: single nucleotide variant.
Coding change: c.13306G>A on transcript NM_004525.3 (MANE Select); coding-DNA position 13306, G replaced by A.
Protein change: p.Val4436Ile; replaces valine 4436 with isoleucine.
Molecular consequence: missense variant.
Genome position (GRCh38, 1-based): chr2:169,139,333, C>T on the plus strand (G>A on the coding strand, the complement: LRP2 is on the minus strand). VCF-style: chr2-169139333-C-T. GRCh37 (hg19) VCF-style: chr2-169995843-C-T.
Other names: short protein forms V4436I.
Identifiers: ClinVar variation 1440662 (VCV001440662.7), dbSNP rs750736741, ClinGen allele CA1952572.

ClinVar aggregate classification (germline): Conflicting classifications of pathogenicity. Review status: criteria provided, conflicting classifications (1 of 4 stars). 5 submissions from 5 submitters: Uncertain significance (4); Likely benign (1). Last evaluated 2026-05-12.

Conditions:
Donnai-Barrow syndrome. Also called: DBS/FOAR SYNDROME; FACIOOCULOACOUSTICORENAL SYNDROME. Identifiers: Orphanet 2143, MedGen C1857277, MONDO:0009104, OMIM 222448.
Inborn genetic diseases. Identifiers: MedGen C0950123, MeSH D030342.
LRP2-related disorder. Also called: LRP2-related condition.

Allele frequency attached by ClinVar (database versions not stated): gnomAD exomes 0.00001 and 0.00002; ExAC 0.00003; gnomAD 0.00003 and 0.00004; TOPMed 0.00004.
gnomAD v4.1: 33 of 1,614,000 alleles (0.002%); highest among the groups gnomAD compares: African/African-American, 0.004%; no homozygotes.

Submissions (5):

PreventionGenetics, part of Exact Sciences
Classification: Uncertain significance for LRP2-related condition. Last evaluated: 2026-05-12. Review status: criteria provided, single submitter. Criteria: ACMG Guidelines, 2015. Collection method: clinical testing. Allele origin: germline.
Comment: The LRP2 c.13306G>A variant is predicted to result in the amino acid substitution p.Val4436Ile. To our knowledge, this variant has not been reported in the literature. This variant is reported in 0.0026% of alleles in individuals of European (Non-Finnish) descent in gnomAD. At this time, the clinical significance of this variant is uncertain due to the absence of conclusive functional and genetic evidence.

Ambry Genetics
Classification: Likely benign for Inborn genetic diseases. Last evaluated: 2024-11-13. Review status: criteria provided, single submitter. Criteria: Ambry Variant Classification Scheme 2023. Collection method: clinical testing. Allele origin: germline.

GeneDx
Classification: Uncertain significance. Last evaluated: 2022-05-17. Review status: criteria provided, single submitter. Criteria: GeneDx Variant Classification Process June 2021. Collection method: clinical testing. Allele origin: germline. Affected: yes.
Comment: Not observed at significant frequency in large population cohorts (gnomAD); In silico analysis supports that this missense variant does not alter protein structure/function; Has not been previously published as pathogenic or benign to our knowledge

Fulgent Genetics
Classification: Uncertain significance for Donnai-Barrow syndrome. Last evaluated: 2022-05-02. Review status: criteria provided, single submitter. Criteria: ACMG Guidelines, 2015. Collection method: clinical testing. Allele origin: unknown.

Labcorp Genetics (formerly Invitae), Labcorp
Classification: Uncertain significance. Last evaluated: 2022-04-10. Review status: criteria provided, single submitter. Criteria: Invitae Variant Classification Sherloc (09022015). Collection method: clinical testing. Allele origin: germline.
Comment: This sequence change replaces valine, which is neutral and non-polar, with isoleucine, which is neutral and non-polar, at codon 4436 of the LRP2 protein (p.Val4436Ile). This variant is present in population databases (rs750736741, gnomAD 0.004%). This variant has not been reported in the literature in individuals affected with LRP2-related conditions. Advanced modeling of protein sequence and biophysical properties (such as structural, functional, and spatial information, amino acid conservation, physicochemical variation, residue mobility, and thermodynamic stability) performed at Invitae indicates that this missense variant is not expected to disrupt LRP2 protein function. In summary, the available evidence is currently insufficient to determine the role of this variant in disease. Therefore, it has been classified as a Variant of Uncertain Significance.